The following is an entry in ClinVar:

NM_001267550.2(TTN):c.41428G>A (p.Val13810Met)

Gene: TTN (titin; minus strand). Cytogenetic location: 2q31.2.
Variant type: single nucleotide variant.
Coding change: c.41428G>A on transcript NM_001267550.2 (MANE Select); coding-DNA position 41428, G replaced by A.
Protein change: p.Val13810Met; replaces valine 13810 with methionine.
Molecular consequence: missense variant.
Genome position (GRCh38, 1-based): chr2:178,636,143, C>T on the plus strand (G>A on the coding strand, the complement: TTN is on the minus strand). VCF-style: chr2-178636143-C-T. GRCh37 (hg19) VCF-style: chr2-179500870-C-T.
Other names: p.V12169M:GTG>ATG; c.36505G>A, p.Val12169Met (NM_001256850.1); c.14233G>A, p.Val4745Met (NM_003319.4); c.33724G>A, p.Val11242Met (NM_133378.4); c.14608G>A, p.Val4870Met (NM_133432.3); c.14809G>A, p.Val4937Met (NM_133437.4); short protein forms V12169M, V13810M, V11242M, V4745M, V4937M, V4870M.
Identifiers: ClinVar variation 202619 (VCV000202619.6), dbSNP rs763668057, ClinGen allele CA309775.

ClinVar aggregate classification (germline): Conflicting classifications of pathogenicity. Review status: criteria provided, conflicting classifications (1 of 4 stars). 6 submissions from 2 submitters: Uncertain significance (4); Benign (2). Last evaluated 2018-01-13.

Conditions:
Autosomal recessive limb-girdle muscular dystrophy type 2J (LGMDR10). Also called: MUSCULAR DYSTROPHY, LIMB-GIRDLE, AUTOSOMAL RECESSIVE 10; Limb-girdle muscular dystrophy, type 2J. Identifiers: Orphanet 140922, MedGen C1837342, MONDO:0012127, OMIM 608807.
Early-onset myopathy with fatal cardiomyopathy (CMYO5). Also called: CONGENITAL MYOPATHY 5 WITH CARDIOMYOPATHY; Salih Myopathy. Identifiers: Orphanet 289377, MedGen C2673677, MONDO:0012714, OMIM 611705. Disease mechanism: loss of function.
Myopathy, myofibrillar, 9, with early respiratory failure (MFM9). Also called: EDSTROM MYOPATHY; MYOPATHY, PROXIMAL, WITH EARLY RESPIRATORY MUSCLE INVOLVEMENT; Myopathy, distal, with early respiratory failure, autosomal dominant; Hereditary myopathy with early respiratory failure. Identifiers: Orphanet 178464, Orphanet 34521, MedGen C1863599, MONDO:0011362, OMIM 603689.
Tibial muscular dystrophy (TMD). Also called: UDD MYOPATHY; Tibial muscular dystrophy, tardive; Udd Distal Myopathy – Tibial Muscular Dystrophy. Identifiers: Orphanet 609, MedGen C1838244, MONDO:0010870, OMIM 600334.
Dilated cardiomyopathy 1G (CMD1G). Identifiers: Orphanet 154, MedGen C1858763, MONDO:0011400, OMIM 604145.

Allele frequency attached by ClinVar (database versions not stated): gnomAD 0.00001; TOPMed 0.00001; gnomAD exomes 0.00002; ExAC 0.00003.
gnomAD v4.1: 67 of 1,612,978 alleles (0.0042%); highest among the groups gnomAD compares: Admixed American, 0.0067%; no homozygotes.

Submissions (6):

Illumina Laboratory Services, Illumina
Classification: Benign for Tibial muscular dystrophy. Last evaluated: 2018-01-13. Review status: criteria provided, single submitter. Criteria: ICSL Variant Classification Criteria 13 December 2019. Collection method: clinical testing. Allele origin: germline.
Comment: This variant was observed in the ICSL laboratory as part of a predisposition screen in an ostensibly healthy population. It had not been previously curated by ICSL or reported in the Human Gene Mutation Database (HGMD: prior to June 1st, 2018), and was therefore a candidate for classification through an automated scoring system. Utilizing variant allele frequency, disease prevalence and penetrance estimates, and inheritance mode, an automated score was calculated to assess if this variant is too frequent to cause the disease. Based on the score and internal cut-off values, a variant classified as benign is not then subjected to further curation. The score for this variant resulted in a classification of benign for this disease.

Illumina Laboratory Services, Illumina
Classification: Uncertain significance for Autosomal recessive limb-girdle muscular dystrophy type 2J. Last evaluated: 2018-01-13. Review status: criteria provided, single submitter. Criteria: ICSL Variant Classification Criteria 13 December 2019. Collection method: clinical testing. Allele origin: germline.

Illumina Laboratory Services, Illumina
Classification: Benign for Myopathy, myofibrillar, 9, with early respiratory failure. Last evaluated: 2018-01-13. Review status: criteria provided, single submitter. Criteria: ICSL Variant Classification Criteria 13 December 2019. Collection method: clinical testing. Allele origin: germline.
Comment: the same text as in the submission from Illumina Laboratory Services, Illumina above.

Illumina Laboratory Services, Illumina
Classification: Uncertain significance for Dilated cardiomyopathy 1G. Last evaluated: 2018-01-13. Review status: criteria provided, single submitter. Criteria: ICSL Variant Classification Criteria 13 December 2019. Collection method: clinical testing. Allele origin: germline.

Illumina Laboratory Services, Illumina
Classification: Uncertain significance for Early-onset myopathy with fatal cardiomyopathy. Last evaluated: 2018-01-13. Review status: criteria provided, single submitter. Criteria: ICSL Variant Classification Criteria 13 December 2019. Collection method: clinical testing. Allele origin: germline.

GeneDx
Classification: Uncertain significance. Last evaluated: 2014-05-30. Review status: criteria provided, single submitter. Criteria: GeneDx Variant Classification (06012015). Collection method: clinical testing. Allele origin: germline. Affected: yes.
Comment: Missense variants in the TTN gene are considered 'unclassified' if they are not previously reported in the literature and do not have >1% frequency in the population to be considered a polymorphism. Research indicates that truncating mutations in the TTN gene are expected to account for approximately 25% of familial and 18% of sporadic idiopathic DCM; however, truncating variants in the TTN gene have been reported in approximately 3% of reported control alleles. There has been little investigation into non-truncating variants. (Herman D et al. Truncations of titin causing dilated cardiomyopathy. N Eng J Med 366:619-628, 2012) The variant is found in CARDIOMYOPATHY panel(s).